The following is an entry in ClinVar:

ClinVar aggregate classification (germline): Likely pathogenic (1 of 4 stars; one submission).

Submission:

Genetic Services Laboratory, University of Chicago
Classification: Likely pathogenic. Last evaluated: 2018-11-21. Review status: criteria provided, single submitter. Criteria: ACMG Guidelines, 2015. Collection method: clinical testing. Allele origin: germline. Affected: yes.
Comment: DNA sequence analysis of the SCN1A gene demonstrated a sequence change, c.3538T>C, in exon 17 that results in an amino acid change, p.Cys1180Arg. The p.Cys1180Arg change affects a highly conserved amino acid residue located in a domain of the SCN1A protein that is known to be functional. The p.Cys1180Arg substitution appears to be deleterious using several in-silico pathogenicity prediction tools (SIFT, PolyPhen2, Align GVGD, REVEL, CADD). This sequence change is the likely cause of this phenotype, however functional studies have not been performed to prove this conclusively.

NM_001165963.4(SCN1A):c.3538T>C (p.Cys1180Arg)

Genes: SCN1A (sodium voltage-gated channel alpha subunit 1; minus strand), LOC102724058 (uncharacterized LOC102724058; plus strand). Cytogenetic location: 2q24.3.
Variant type: single nucleotide variant.
Coding change: c.3538T>C on transcript NM_001165963.4 (MANE Select); coding-DNA position 3538, T replaced by C.
Protein change: p.Cys1180Arg; replaces cysteine 1180 with arginine.
Molecular consequence: missense variant. On other transcripts: non-coding transcript variant (2).
Genome position (GRCh38, 1-based): chr2:166,015,619, A>G on the plus strand (T>C on the coding strand, the complement: SCN1A is on the minus strand). VCF-style: chr2-166015619-A-G. GRCh37 (hg19) VCF-style: chr2-166872129-A-G.
Other names: c.3505T>C, p.Cys1169Arg (NM_001353949.2, NM_001353950.2, NM_001353951.2 and 2 more transcripts); c.3502T>C, p.Cys1168Arg (NM_001353954.2, NM_001353955.2); c.3454T>C, p.Cys1152Arg (NM_001353957.2, NM_001353958.2, NM_001165964.3); c.3451T>C, p.Cys1151Arg (NM_001353960.2); c.1096T>C, p.Cys366Arg (NM_001353961.2); c.3538T>C, p.Cys1180Arg (NM_001202435.3, NM_001353948.2); short protein forms C1151R, C1152R, C1168R, C1169R, C1180R, C366R.
Identifiers: ClinVar variation 1335962 (VCV001335962.4), dbSNP rs1574069096, ClinGen allele CA349056592.